The following is an entry in ClinVar:

ClinVar aggregate classification (germline): Conflicting classifications of pathogenicity. Review status: criteria provided, conflicting classifications (1 of 4 stars). 2 submissions from 2 submitters: Uncertain significance (1); Likely benign (1). Last evaluated 2025-04-20.

Conditions:
Primary ciliary dyskinesia 7. Also called: CILIARY DYSKINESIA, PRIMARY, 7, WITH OR WITHOUT SITUS INVERSUS. Identifiers: Orphanet 244, MedGen C2678473, MONDO:0012748, OMIM 611884.
Primary ciliary dyskinesia. Also called: Ciliary dyskinesia. Identifiers: Orphanet 244, MedGen C0008780, MONDO:0016575, HP:0012265.

Allele frequency attached by ClinVar (database versions not stated): ExAC 0.00001; gnomAD 0.00001; gnomAD exomes 0.00001; TOPMed 0.00001.
gnomAD v4.1: 13 of 1,612,850 alleles (0.00081%); highest among the groups gnomAD compares: Non-Finnish European, 0.0011%; no homozygotes.

Submissions (2):

Labcorp Genetics (formerly Invitae), Labcorp
Classification: Likely benign for Primary ciliary dyskinesia. Last evaluated: 2025-04-20. Review status: criteria provided, single submitter. Criteria: Invitae Variant Classification Sherloc (09022015). Collection method: clinical testing. Allele origin: germline.

Broad Center for Mendelian Genomics, Broad Institute of MIT and Harvard
Classification: Uncertain significance for Primary ciliary dyskinesia 7. Last evaluated: 2025-02-20. Review status: criteria provided, single submitter. Criteria: ACMG Guidelines, 2015. Collection method: curation. Allele origin: germline. Inheritance: Autosomal recessive inheritance.
Comment: The p.Pro4183Leu variant in DNAH11 has been reported in 1 individual with primary ciliary dyskinesia (PMID: 24450482), and has been identified in 0.001% (13/1179132) of European (non-Finnish) chromosomes by the Genome Aggregation Database (gnomAD; dbSNP rs746934962). Although this variant has been seen in the general population in a heterozygous state, its frequency is low enough to be consistent with a recessive carrier frequency. This variant has also been reported in ClinVar (Variation ID: 1509119) and has been interpreted as a variant of uncertain significance by Invitae. Computational prediction tools and conservation analyses do not provide strong support for or against an impact to the protein. In summary, the clinical significance of the p.Pro4183Leu variant is uncertain. ACMG/AMP Criteria applied: PM2_supporting (Richards 2015).

NM_001277115.2(DNAH11):c.12548C>T (p.Pro4183Leu)

Gene: DNAH11 (dynein axonemal heavy chain 11; plus strand). Cytogenetic location: 7p15.3.
Variant type: single nucleotide variant.
Coding change: c.12548C>T on transcript NM_001277115.2 (MANE Select); coding-DNA position 12548, C replaced by T.
Protein change: p.Pro4183Leu; replaces proline 4183 with leucine.
Molecular consequence: missense variant.
Genome position (GRCh38, 1-based): chr7:21,892,465, C>T. VCF-style: chr7-21892465-C-T. GRCh37 (hg19) VCF-style: chr7-21932083-C-T.
Other names: NM_001277115.2(DNAH11):c.12548C>T; p.Pro4183Leu; short protein forms P4183L.
Identifiers: ClinVar variation 1509119 (VCV001509119.9), dbSNP rs746934962, ClinGen allele CA4183123.